The following is an entry in ClinVar:

NM_004612.4(TGFBR1):c.26G>T (p.Arg9Leu)

Genes: TGFBR1 (transforming growth factor beta receptor 1; plus strand), LOC130002223 (ATAC-STARR-seq lymphoblastoid silent region 20124; plus strand). Cytogenetic location: 9q22.33.
Variant type: single nucleotide variant.
Coding change: c.26G>T on transcript NM_004612.4 (MANE Select); coding-DNA position 26, G replaced by T.
Protein change: p.Arg9Leu; replaces arginine 9 with leucine.
Molecular consequence: missense variant. On other transcripts: 5 prime UTR variant (5), non-coding transcript variant (4), intron variant (8).
Genome position (GRCh38, 1-based): chr9:99,105,231, G>T. VCF-style: chr9-99105231-G-T. GRCh37 (hg19) VCF-style: chr9-101867513-G-T.
Other names: c.26G>T, p.Arg9Leu (NM_001130916.3, NM_001306210.2, NM_001407416.1 and 5 more transcripts); c.-318G>T (NM_001407420.1, NM_001407429.1); c.-287G>T (NM_001407422.1, NM_001407426.1); c.-242G>T (NM_001407428.1); c.-111+1490G>T (NM_001407418.1, NM_001407423.1); c.-111+1125G>T (NM_001407424.1); c.-111+712G>T (NM_001407425.1); c.-111+505G>T (NM_001407434.1); and 2 more; short protein forms R9L.
Identifiers: ClinVar variation 3455827 (VCV003455827.1).

ClinVar aggregate classification (germline): Uncertain significance (1 of 4 stars; one submission).

Conditions:
Familial thoracic aortic aneurysm and aortic dissection (TAAD). Also called: Thoracic aortic aneurysms and dissections. Identifiers: Orphanet 91387, MedGen C4707243, MONDO:0019625.

gnomAD v4.1: 11 of 1,073,926 alleles (0.001%); highest among the groups gnomAD compares: Non-Finnish European, 0.0012%; no homozygotes.

Submission:

Ambry Genetics
Classification: Uncertain significance for Familial thoracic aortic aneurysm and aortic dissection. Last evaluated: 2024-08-12. Review status: criteria provided, single submitter. Criteria: Ambry Variant Classification Scheme 2023. Collection method: clinical testing. Allele origin: germline.
Comment: The p.R9L variant (also known as c.26G>T), located in coding exon 1 of the TGFBR1 gene, results from a G to T substitution at nucleotide position 26. The arginine at codon 9 is replaced by leucine, an amino acid with dissimilar properties. This amino acid position is conserved. In addition, this alteration is predicted to be tolerated by in silico analysis. Based on the available evidence, the clinical significance of this variant remains unclear.